The following is an entry in ClinVar:

NM_017739.4(POMGNT1):c.1036G>C (p.Asp346His)

Genes: POMGNT1 (protein O-linked mannose N-acetylglucosaminyltransferase 1 (beta 1,2-); minus strand), TSPAN1 (tetraspanin 1; plus strand). Cytogenetic location: 1p34.1.
Variant type: single nucleotide variant.
Coding change: c.1036G>C on transcript NM_017739.4 (MANE Select); coding-DNA position 1036, G replaced by C.
Protein change: p.Asp346His; replaces aspartic acid 346 with histidine.
Molecular consequence: missense variant.
Genome position (GRCh38, 1-based): chr1:46,193,379, C>G on the plus strand (G>C on the coding strand, the complement: POMGNT1 is on the minus strand). VCF-style: chr1-46193379-C-G. GRCh37 (hg19) VCF-style: chr1-46659051-C-G.
Other names: c.1036G>C, p.Asp346His (NM_001243766.2, NM_001410783.1); c.970G>C, p.Asp324His (NM_001290129.3); c.607G>C, p.Asp203His (NM_001290130.2); short protein forms D203H, D324H, D346H.
Identifiers: ClinVar variation 1374126 (VCV001374126.8), dbSNP rs754255569, ClinGen allele CA340180223.

ClinVar aggregate classification (germline): Uncertain significance (1 of 4 stars; one submission).

Conditions:
Autosomal recessive limb-girdle muscular dystrophy type 2O. Also called: Limb-Girdle Muscular Dystrophy Type 3C; MUSCULAR DYSTROPHY-DYSTROGLYCANOPATHY (LIMB-GIRDLE), TYPE C, 3; MUSCULAR DYSTROPHY-DYSTROGLYCANOPATHY, LIMB-GIRDLE, POMGNT1-RELATED. Identifiers: Orphanet 206564, MedGen C3150417, MONDO:0013161, OMIM 613157.
Muscular dystrophy-dystroglycanopathy (congenital with impaired intellectual development), type B, 3. Also called: MUSCULAR DYSTROPHY, CONGENITAL, POMGNT1-RELATED; Muscular dystrophy-dystroglycanopathy (congenital with intellectual disability), type B3. Identifiers: MedGen C3150412, MONDO:0013155, OMIM 613151.

gnomAD v4.1: 5 of 1,612,636 alleles (0.00031%); highest among the groups gnomAD compares: Admixed American, 0.0084%; no homozygotes.

Submission:

Labcorp Genetics (formerly Invitae), Labcorp
Classification: Uncertain significance for Autosomal recessive limb-girdle muscular dystrophy type 2O; Muscular dystrophy-dystroglycanopathy (congenital with impaired intellectual development), type B, 3. Last evaluated: 2026-01-19. Review status: criteria provided, single submitter. Criteria: Invitae Variant Classification Sherloc (09022015). Collection method: clinical testing. Allele origin: germline.
Comment: This sequence change replaces aspartic acid, which is acidic and polar, with histidine, which is basic and polar, at codon 346 of the POMGNT1 protein (p.Asp346His). This variant is present in population databases (no rsID available, gnomAD 0.009%). This variant has not been reported in the literature in individuals affected with POMGNT1-related conditions. ClinVar contains an entry for this variant (Variation ID: 1374126). Invitae Evidence Modeling of protein sequence and biophysical properties (such as structural, functional, and spatial information, amino acid conservation, physicochemical variation, residue mobility, and thermodynamic stability) has been performed for this missense variant. However, the output from this modeling did not meet the statistical confidence thresholds required to predict the impact of this variant on POMGNT1 protein function. Algorithms developed to predict the effect of sequence changes on RNA splicing suggest that this variant may disrupt the consensus splice site. In summary, the available evidence is currently insufficient to determine the role of this variant in disease. Therefore, it has been classified as a Variant of Uncertain Significance.